The following is an entry in ClinVar:

NM_006371.5(CRTAP):c.471+4A>G

Gene: CRTAP (cartilage associated protein; plus strand). Cytogenetic location: 3p22.3.
Variant type: single nucleotide variant.
Coding change: c.471+4A>G on transcript NM_006371.5 (MANE Select); 4 bases into the intron after coding-DNA position 471, A replaced by G.
Molecular consequence: intron variant.
Genome position (GRCh38, 1-based): chr3:33,114,552, A>G. VCF-style: chr3-33114552-A-G. GRCh37 (hg19) VCF-style: chr3-33156044-A-G.
Identifiers: ClinVar variation 1024819 (VCV001024819.8), dbSNP rs549296015, ClinGen allele CA72699875.
Genomic context (GRCh38, chr3:33,114,552, plus strand): 5'-CTGGCGGACTTCCAGCGCCGCGAGCCCTACAAGTTCCTGCAGTTCGCTTACTTCAAGGCA[A>G]GTCCGCCTCGCCCCGTCCCAGGCCCCGGCCCCGCCCCTGACCCAGCCTCCAGGCCCTAGC-3'

ClinVar aggregate classification (germline): Conflicting classifications of pathogenicity. Review status: criteria provided, conflicting classifications (1 of 4 stars). 3 submissions from 3 submitters: Likely pathogenic (2); Uncertain significance (1). Last evaluated 2025-06-25.

Conditions:
Osteogenesis imperfecta type 7 (OI7). Also called: OI type 7; OI type VII; OSTEOGENESIS IMPERFECTA, TYPE IIB; Osteogenesis imperfecta type 2B; OI type 2B; Osteogenesis imperfecta, perinatal lethal autosomal recessive. Identifiers: MedGen C1853162, MONDO:0012536, OMIM 610682.

Allele frequency attached by ClinVar (database versions not stated): gnomAD exomes below 0.00001; gnomAD 0.00001; 1000 Genomes Project 30x 0.00016; 1000 Genomes Project 0.00020.
gnomAD v4.1: 5 of 1,575,360 alleles (0.00032%); highest among the groups gnomAD compares: Admixed American, 0.0036%; no homozygotes.

Submissions (3):

Women's Health and Genetics/Laboratory Corporation of America, LabCorp
Classification: Uncertain significance. Last evaluated: 2025-06-25. Review status: criteria provided, single submitter. Criteria: LabCorp Variant Classification Summary - May 2015. Collection method: clinical testing. Allele origin: germline.
Comment: Variant summary: CRTAP c.471+4A>G alters a conserved nucleotide located close to a canonical splice site and therefore could affect mRNA splicing, leading to a significantly altered protein sequence. Several computational tools predict a significant impact on normal splicing: Three predict the variant creates a 5' donor site. Two predict the variant creates a 3' acceptor site. However, these predictions have yet to be confirmed by functional studies. The frequency data for this variant in gnomAD is considered unreliable, as metrics indicate poor data quality at this position. c.471+4A>G has been observed in individuals affected with clinical features of osteogenesis imperfecta (internal data). These data indicate that the variant may be associated with disease. To our knowledge, no experimental evidence demonstrating an impact on protein function has been reported. ClinVar contains an entry for this variant (Variation ID: 1024819). Based on the evidence outlined above, the variant was classified as VUS-possibly pathogenic.

Fulgent Genetics
Classification: Likely pathogenic for Osteogenesis imperfecta type 7. Last evaluated: 2024-04-24. Review status: criteria provided, single submitter. Criteria: ACMG Guidelines, 2015. Collection method: clinical testing. Allele origin: germline.

Labcorp Genetics (formerly Invitae), Labcorp
Classification: Likely pathogenic for Osteogenesis imperfecta type 7. Last evaluated: 2023-10-13. Review status: criteria provided, single submitter. Criteria: Invitae Variant Classification Sherloc (09022015). Collection method: clinical testing. Allele origin: germline.
Comment: This sequence change falls in intron 1 of the CRTAP gene. It does not directly change the encoded amino acid sequence of the CRTAP protein. It affects a nucleotide within the consensus splice site. The frequency data for this variant in the population databases is considered unreliable, as metrics indicate poor data quality at this position in the gnomAD database. This variant has been observed in individual(s) with clinical features of osteogenesis imperfecta (Invitae). In at least one individual the data is consistent with being in trans (on the opposite chromosome) from a pathogenic variant. ClinVar contains an entry for this variant (Variation ID: 1024819). Variants that disrupt the consensus splice site are a relatively common cause of aberrant splicing (PMID: 17576681, 9536098). Algorithms developed to predict the effect of sequence changes on RNA splicing suggest that this variant may disrupt the consensus splice site. In summary, the currently available evidence indicates that the variant is pathogenic, but additional data are needed to prove that conclusively. Therefore, this variant has been classified as Likely Pathogenic.

Literature cited by the submitters: PubMed 17576681 (cited by Labcorp Genetics (formerly Invitae), Labcorp); PubMed 9536098 (cited by Labcorp Genetics (formerly Invitae), Labcorp).